The following is an entry in ClinVar:

NM_001009944.3(PKD1):c.10733del (p.Ala3578fs)

Genes: PKD1 (polycystin 1, transient receptor potential channel interacting; minus strand), PKD1-AS1 (PKD1 antisense RNA 1; plus strand). Cytogenetic location: 16p13.3.
Variant type: Deletion.
Coding change: c.10733del on transcript NM_001009944.3 (MANE Select); coding-DNA position 10733, one base deleted (C; older notation c.10733delC).
Protein change: p.Ala3578fs; shifts the reading frame from alanine 3578.
Molecular consequence: frameshift variant.
Genome position (GRCh38, 1-based): chr16:2,093,899, G deleted on the plus strand (C on the coding strand, the reverse complement: PKD1 is on the minus strand). VCF-style (leftmost placement, unchanged base first): chr16-2093898-CG-C. GRCh37 (hg19) VCF-style: chr16-2143899-CG-C.
Other names: c.10730del, p.Ala3577fs (NM_000296.4); short protein forms A3577fs, A3578fs.
Identifiers: ClinVar variation 997322 (VCV000997322.1), dbSNP rs2091725538, ClinGen allele CA2202025294.

ClinVar aggregate classification (germline): Pathogenic (0 of 4 stars; one submission).

Conditions:
Polycystic kidney disease. Also called: Polycystic kidney dysplasia; Kidney, Polycystic. Identifiers: MedGen C0022680, MeSH D007690, MONDO:0020642, HP:0000113.

Submission:

Department of Pathology and Laboratory Medicine, Sinai Health System
Classification: Pathogenic for Polycystic Kidney disease. Review status: no assertion criteria provided. Collection method: clinical testing. Allele origin: unknown. Affected: yes. Study: The Canadian Open Genetics Repository (COGR).
Comment: The PKD1 p.Ala3578Glyfs*7 variant was not identified in the literature nor was it identified in the dbSNP, ClinVar, LOVD 3.0, ADPKD Mutation Database, and PKD1-LOVD databases. The variant was not identified in the following control databases: the Exome Aggregation Consortium (August 8th 2016), or the Genome Aggregation Database (Feb 27, 2017). The c.10733del variant is predicted to cause a frameshift, which alters the protein amino acid sequence beginning at codon 3578 and leads to a premature stop codon 7 codons downstream. This alteration is then predicted to result in a truncated or absent protein and loss of function. Loss of function variants of the PKD1 gene are an established mechanism of disease in autosomal dominant polycystic kidney disease and is the type of variant expected to cause the disorder. In summary, based on the above information this variant meets our laboratoryâ€šÃ„Ã´s criteria to be classified as pathogenic.